The following is an entry in ClinVar:

ClinVar aggregate classification (germline): Uncertain significance. Review status: criteria provided, multiple submitters, no conflicts (2 of 4 stars). 2 submissions from 2 submitters: Uncertain significance (2). Last evaluated 2025-08-28.

Conditions:
Hereditary cancer-predisposing syndrome. Also called: Neoplastic Syndromes, Hereditary; Hereditary Cancer Syndrome; Hereditary neoplastic syndrome; Tumor predisposition. Identifiers: Orphanet 140162, MedGen C0027672, MeSH D009386, MONDO:0015356.

Allele frequency attached by ClinVar (database versions not stated): TOPMed 0.00001.

Submissions (2):

Labcorp Genetics (formerly Invitae), Labcorp
Classification: Uncertain significance. Last evaluated: 2025-08-28. Review status: criteria provided, single submitter. Criteria: Invitae Variant Classification Sherloc (09022015). Collection method: clinical testing. Allele origin: germline.
Comment: This sequence change replaces methionine, which is neutral and non-polar, with lysine, which is basic and polar, at codon 1406 of the POLE protein (p.Met1406Lys). This variant is not present in population databases (gnomAD no frequency). This variant has not been reported in the literature in individuals affected with POLE-related conditions. ClinVar contains an entry for this variant (Variation ID: 2562920). Invitae Evidence Modeling of protein sequence and biophysical properties (such as structural, functional, and spatial information, amino acid conservation, physicochemical variation, residue mobility, and thermodynamic stability) indicates that this missense variant is not expected to disrupt POLE protein function with a negative predictive value of 80%. In summary, the available evidence is currently insufficient to determine the role of this variant in disease. Therefore, it has been classified as a Variant of Uncertain Significance.

Ambry Genetics
Classification: Uncertain significance for Hereditary cancer-predisposing syndrome. Last evaluated: 2025-06-07. Review status: criteria provided, single submitter. Criteria: Ambry Variant Classification Scheme 2023. Collection method: clinical testing. Allele origin: germline.
Comment: The p.M1406K variant (also known as c.4217T>A), located in coding exon 33 of the POLE gene, results from a T to A substitution at nucleotide position 4217. The methionine at codon 1406 is replaced by lysine, an amino acid with similar properties. This amino acid position is conserved. In addition, the in silico prediction for this alteration is inconclusive. Since supporting evidence is limited at this time, the clinical significance of this alteration remains unclear.

NM_006231.4(POLE):c.4217T>A (p.Met1406Lys)

Gene: POLE (DNA polymerase epsilon, catalytic subunit; minus strand). Cytogenetic location: 12q24.33.
Variant type: single nucleotide variant.
Coding change: c.4217T>A on transcript NM_006231.4 (MANE Select); coding-DNA position 4217, T replaced by A.
Protein change: p.Met1406Lys; replaces methionine 1406 with lysine.
Molecular consequence: missense variant.
Genome position (GRCh38, 1-based): chr12:132,643,910, A>T on the plus strand (T>A on the coding strand, the complement: POLE is on the minus strand). VCF-style: chr12-132643910-A-T. GRCh37 (hg19) VCF-style: chr12-133220496-A-T.
Other names: short protein forms M1406K.
Identifiers: ClinVar variation 2562920 (VCV002562920.6), dbSNP rs749250454, ClinGen allele CA387382187.